The following is an entry in ClinVar:

ClinVar aggregate classification (germline): Pathogenic (1 of 4 stars; one submission).

Conditions:
Pallister-Hall syndrome (PHS). Also called: HYPOTHALAMIC HAMARTOBLASTOMA, HYPOPITUITARISM, IMPERFORATE ANUS, AND POSTAXIAL POLYDACTYLY; GLI3-Related Pallister-Hall Syndrome. Identifiers: Orphanet 672, MedGen C0265220, MONDO:0007804, OMIM 146510.
Greig cephalopolysyndactyly syndrome (GCPS). Also called: POLYSYNDACTYLY WITH PECULIAR SKULL SHAPE; Greig syndrome; GLI3-Related Greig Cephalopolysyndactyly Syndrome. Identifiers: Orphanet 380, MedGen C0265306, MONDO:0008287, OMIM 175700.

Submission:

Labcorp Genetics (formerly Invitae), Labcorp
Classification: Pathogenic for Pallister-Hall syndrome; Greig cephalopolysyndactyly syndrome. Last evaluated: 2022-10-09. Review status: criteria provided, single submitter. Criteria: Invitae Variant Classification Sherloc (09022015). Collection method: clinical testing. Allele origin: germline.
Comment: This sequence change creates a premature translational stop signal (p.Phe550Leufs*11) in the GLI3 gene. It is expected to result in an absent or disrupted protein product. Loss-of-function variants in GLI3 are known to be pathogenic (PMID: 10441570, 15739154, 18000979, 24736735). For these reasons, this variant has been classified as Pathogenic. This variant has not been reported in the literature in individuals affected with GLI3-related conditions. This variant is not present in population databases (gnomAD no frequency).

Literature cited by the submitters: PubMed 10441570; PubMed 15739154; PubMed 18000979; PubMed 24736735.

NM_000168.6(GLI3):c.1648delT (p.Phe550fs)

Gene: GLI3 (GLI family zinc finger 3; minus strand). Cytogenetic location: 7p14.1.
Variant type: Deletion.
Coding change: c.1648delT on transcript NM_000168.6 (MANE Select); coding-DNA position 1648, one base deleted (T).
Protein change: p.Phe550fs; shifts the reading frame from phenylalanine 550.
Molecular consequence: frameshift variant.
Genome position (GRCh38, 1-based): chr7:41,977,720, A deleted on the plus strand (T on the coding strand, the reverse complement: GLI3 is on the minus strand); the first of 3 consecutive A bases (chr7:41,977,720-41,977,722); deleting any one gives the same sequence. VCF-style (leftmost placement, unchanged base first): chr7-41977719-CA-C. GRCh37 (hg19) VCF-style: chr7-42017318-CA-C.
Other names: short protein forms F550fs.
Identifiers: ClinVar variation 2034968 (VCV002034968.4), dbSNP rs2484444399, ClinGen allele CA2580077122.